The following is an entry in ClinVar:

ClinVar aggregate classification (germline): Uncertain significance (1 of 4 stars; one submission).

Conditions:
Cardiovascular phenotype. Identifiers: MedGen CN230736.

gnomAD v4.1: 2 of 1,613,664 alleles (0.00012%); highest among the groups gnomAD compares: Admixed American, 0.0017%; no homozygotes.

Submission:

Ambry Genetics
Classification: Uncertain significance for Cardiovascular phenotype. Last evaluated: 2025-09-05. Review status: criteria provided, single submitter. Criteria: Ambry Variant Classification Scheme 2023. Collection method: clinical testing. Allele origin: germline.
Comment: The c.7342+5G>C intronic variant results from a G to C substitution 5 nucleotides after coding exon 48 in the RYR2 gene. This nucleotide position is well conserved in available vertebrate species. In silico splice site analysis predicts that this alteration will not have any significant effect on splicing. Based on the available evidence, the clinical significance of this variant remains unclear.

NM_001035.3(RYR2):c.7342+5G>C

Gene: RYR2 (ryanodine receptor 2; plus strand). Cytogenetic location: 1q43.
Variant type: single nucleotide variant.
Coding change: c.7342+5G>C on transcript NM_001035.3 (MANE Select); 5 bases into the intron after coding-DNA position 7342, G replaced by C.
Molecular consequence: intron variant.
Genome position (GRCh38, 1-based): chr1:237,643,452, G>C. VCF-style: chr1-237643452-G-C. GRCh37 (hg19) VCF-style: chr1-237806752-G-C.
Identifiers: ClinVar variation 4158457 (VCV004158457.1).